The following is an entry in ClinVar:

ClinVar aggregate classification (germline): Uncertain significance. Review status: criteria provided, multiple submitters, no conflicts (2 of 4 stars). 4 submissions from 3 submitters: Uncertain significance (4). Last evaluated 2025-11-24.

Conditions:
Inborn genetic diseases. Identifiers: MedGen C0950123, MeSH D030342.
Seckel syndrome 1 (SCKL1). Also called: MICROCEPHALIC PRIMORDIAL DWARFISM I. Identifiers: Orphanet 808, MedGen C4551474, MONDO:0008869, OMIM 210600.
Familial cutaneous telangiectasia and oropharyngeal predisposition cancer syndrome. Identifiers: Orphanet 313846, MedGen C3281203, MONDO:0013806, OMIM 614564.

Allele frequency attached by ClinVar (database versions not stated): gnomAD exomes 0.00001; gnomAD 0.00001; TOPMed 0.00002; ExAC 0.00001.
gnomAD v4.1: 5 of 1,613,618 alleles (0.00031%); highest among the groups gnomAD compares: Admixed American, 0.0083%; no homozygotes.

Submissions (4):

Ambry Genetics
Classification: Uncertain significance for Inborn genetic diseases. Last evaluated: 2025-11-24. Review status: criteria provided, single submitter. Criteria: Ambry Variant Classification Scheme 2023. Collection method: clinical testing. Allele origin: germline.

Labcorp Genetics (formerly Invitae), Labcorp
Classification: Uncertain significance. Last evaluated: 2024-10-17. Review status: criteria provided, single submitter. Criteria: Invitae Variant Classification Sherloc (09022015). Collection method: clinical testing. Allele origin: germline.
Comment: This sequence change replaces arginine, which is basic and polar, with lysine, which is basic and polar, at codon 1593 of the ATR protein (p.Arg1593Lys). This variant is present in population databases (rs772382675, gnomAD 0.01%). This variant has not been reported in the literature in individuals affected with ATR-related conditions. ClinVar contains an entry for this variant (Variation ID: 954744). An algorithm developed to predict the effect of missense changes on protein structure and function (PolyPhen-2) suggests that this variant is likely to be disruptive. In summary, the available evidence is currently insufficient to determine the role of this variant in disease. Therefore, it has been classified as a Variant of Uncertain Significance.

Genome-Nilou Lab
Classification: Uncertain significance for Seckel syndrome 1. Last evaluated: 2023-02-08. Review status: criteria provided, single submitter. Criteria: ACMG Guidelines, 2015. Collection method: clinical testing. Allele origin: germline.

Genome-Nilou Lab
Classification: Uncertain significance for Familial cutaneous telangiectasia and oropharyngeal predisposition cancer syndrome. Last evaluated: 2023-02-08. Review status: criteria provided, single submitter. Criteria: ACMG Guidelines, 2015. Collection method: clinical testing. Allele origin: germline.

NM_001184.4(ATR):c.4778G>A (p.Arg1593Lys)

Gene: ATR (ATR checkpoint kinase; minus strand). Cytogenetic location: 3q23.
Variant type: single nucleotide variant.
Coding change: c.4778G>A on transcript NM_001184.4 (MANE Select); coding-DNA position 4778, G replaced by A.
Protein change: p.Arg1593Lys; replaces arginine 1593 with lysine.
Molecular consequence: missense variant.
Genome position (GRCh38, 1-based): chr3:142,512,334, C>T on the plus strand (G>A on the coding strand, the complement: ATR is on the minus strand). VCF-style: chr3-142512334-C-T. GRCh37 (hg19) VCF-style: chr3-142231176-C-T.
Other names: c.4586G>A, p.Arg1529Lys (NM_001354579.2); short protein forms R1593K, R1529K.
Identifiers: ClinVar variation 954744 (VCV000954744.12), dbSNP rs772382675, ClinGen allele CA2649770.
Genomic context (GRCh38, chr3:142,512,334, plus strand): 5'-TTATTTCTGTTTGATTTGCTGTGTGGACATTTCTCAGCTTTCAGTGCCTGAAATTTGTGC[C>T]TTGCCCACTGTGTGAGATGGTCAAGCATGGAGAACACAGTCTGTGTACTGAGTTGACACA-3'
Protein context (NP_001175.2, residues 1583-1603): SMLDHLTQWA[Arg1593Lys]HKFQALKAEK